The following is an entry in ClinVar:

ClinVar aggregate classification (germline): Uncertain significance (1 of 4 stars; one submission).

Submission:

Labcorp Genetics (formerly Invitae), Labcorp
Classification: Uncertain significance. Last evaluated: 2023-09-12. Review status: criteria provided, single submitter. Criteria: Invitae Variant Classification Sherloc (09022015). Collection method: clinical testing. Allele origin: germline.
Comment: In summary, the available evidence is currently insufficient to determine the role of this variant in disease. Therefore, it has been classified as a Variant of Uncertain Significance. Advanced modeling of protein sequence and biophysical properties (such as structural, functional, and spatial information, amino acid conservation, physicochemical variation, residue mobility, and thermodynamic stability) performed at Invitae indicates that this missense variant is expected to disrupt COL2A1 protein function. This variant has not been reported in the literature in individuals affected with COL2A1-related conditions. This variant is not present in population databases (gnomAD no frequency). This sequence change replaces glycine, which is neutral and non-polar, with arginine, which is basic and polar, at codon 165 of the COL2A1 protein (p.Gly165Arg).

NM_001844.5(COL2A1):c.493G>C (p.Gly165Arg)

Gene: COL2A1 (collagen type II alpha 1 chain; minus strand). Cytogenetic location: 12q13.11.
Variant type: single nucleotide variant.
Coding change: c.493G>C on transcript NM_001844.5 (MANE Select); coding-DNA position 493, G replaced by C.
Protein change: p.Gly165Arg; replaces glycine 165 with arginine.
Molecular consequence: missense variant.
Genome position (GRCh38, 1-based): chr12:47,997,644, C>G on the plus strand (G>C on the coding strand, the complement: COL2A1 is on the minus strand). VCF-style: chr12-47997644-C-G. GRCh37 (hg19) VCF-style: chr12-48391427-C-G.
Other names: c.286G>C, p.Gly96Arg (NM_033150.3); short protein forms G165R, G96R.
Identifiers: ClinVar variation 2880823 (VCV002880823.3), dbSNP rs2540180267, ClinGen allele CA384524749.